The following is an entry in ClinVar:

ClinVar aggregate classification (germline): Uncertain significance (1 of 4 stars; one submission).

Allele frequency attached by ClinVar (database versions not stated): TOPMed below 0.00001; gnomAD 0.00001.
gnomAD v4.1: 1 of 1,606,518 alleles (0.000062%); highest among the groups gnomAD compares: African/African-American, 0.0013%; no homozygotes.

Submission:

Ambry Genetics
Classification: Uncertain significance. Last evaluated: 2024-05-24. Review status: criteria provided, single submitter. Criteria: Ambry Variant Classification Scheme 2023. Collection method: clinical testing. Allele origin: germline.
Comment: The p.I539L variant (also known as c.1615A>C), located in coding exon 11 of the POLQ gene, results from an A to C substitution at nucleotide position 1615. The isoleucine at codon 539 is replaced by leucine, an amino acid with highly similar properties. This amino acid position is conserved. In addition, this alteration is predicted to be tolerated by in silico analysis. Since supporting evidence is limited at this time, the clinical significance of this alteration remains unclear.

NM_199420.4(POLQ):c.1615A>C (p.Ile539Leu)

Gene: POLQ (DNA polymerase theta; minus strand). Cytogenetic location: 3q13.33.
Variant type: single nucleotide variant.
Coding change: c.1615A>C on transcript NM_199420.4 (MANE Select); coding-DNA position 1615, A replaced by C.
Protein change: p.Ile539Leu; replaces isoleucine 539 with leucine.
Molecular consequence: missense variant.
Genome position (GRCh38, 1-based): chr3:121,510,240, T>G on the plus strand (A>C on the coding strand, the complement: POLQ is on the minus strand). VCF-style: chr3-121510240-T-G. GRCh37 (hg19) VCF-style: chr3-121229087-T-G.
Other names: short protein forms I539L.
Identifiers: ClinVar variation 1776471 (VCV001776471.3), dbSNP rs1372141871, ClinGen allele CA354115330.